The following is an entry in ClinVar:

NM_000051.4(ATM):c.1449C>T (p.Leu483=)

Gene: ATM (ATM serine/threonine kinase; plus strand). Cytogenetic location: 11q22.3.
Variant type: single nucleotide variant.
Coding change: c.1449C>T on transcript NM_000051.4 (MANE Select); coding-DNA position 1449, C replaced by T.
Protein change: p.Leu483=; no amino-acid change (leucine 483 retained).
Molecular consequence: synonymous variant.
Genome position (GRCh38, 1-based): chr11:108,250,914, C>T. VCF-style: chr11-108250914-C-T. GRCh37 (hg19) VCF-style: chr11-108121641-C-T.
Other names: c.1449C>T, p.Leu483= (NM_001351834.2).
Identifiers: ClinVar variation 3254100 (VCV003254100.1), dbSNP rs948934905.

ClinVar aggregate classification (germline): Benign (1 of 4 stars; one submission).

Conditions:
Familial cancer of breast. Also called: BREAST CANCER, FAMILIAL; Hereditary breast cancer; hereditary breast carcinoma. Identifiers: Orphanet 227535, MedGen C0346153, MONDO:0016419, OMIM 114480. Disease mechanism: loss of function.

Submission:

Myriad Genetics, Inc.
Classification: Benign for Familial cancer of breast. Last evaluated: 2024-04-29. Review status: criteria provided, single submitter. Criteria: Myriad Autosomal Dominant, Autosomal Recessive and X-Linked Classification Criteria (2023). Collection method: clinical testing. Allele origin: unknown.
Comment: This variant is considered benign. This variant is a silent/synonymous amino acid change and it is not expected to impact splicing.